The following is an entry in ClinVar:

ClinVar aggregate classification (germline): Uncertain significance. Review status: criteria provided, multiple submitters, no conflicts (2 of 4 stars). 3 submissions from 3 submitters: Uncertain significance (3). Last evaluated 2024-08-14.

Conditions:
Fanconi anemia (FA). Also called: Fanconi's anemia. Identifiers: Orphanet 84, MedGen C0015625, MeSH D005199, MONDO:0019391.

Allele frequency attached by ClinVar (database versions not stated): ExAC 0.00004; gnomAD 0.00004; gnomAD exomes 0.00004; TOPMed 0.00004.
gnomAD v4.1: 64 of 1,614,002 alleles (0.004%); highest among the groups gnomAD compares: Non-Finnish European, 0.0052%; no homozygotes.

Submissions (3):

GeneDx
Classification: Uncertain significance. Last evaluated: 2024-08-14. Review status: criteria provided, single submitter. Criteria: GeneDx Variant Classification Process June 2021. Collection method: clinical testing. Allele origin: germline. Affected: yes.
Comment: In silico analysis supports that this missense variant has a deleterious effect on protein structure/function; Has not been previously published as pathogenic or benign to our knowledge

Labcorp Genetics (formerly Invitae), Labcorp
Classification: Uncertain significance for Fanconi anemia. Last evaluated: 2023-10-12. Review status: criteria provided, single submitter. Criteria: Invitae Variant Classification Sherloc (09022015). Collection method: clinical testing. Allele origin: germline.
Comment: This sequence change replaces methionine, which is neutral and non-polar, with threonine, which is neutral and polar, at codon 425 of the SLX4 protein (p.Met425Thr). This variant is present in population databases (rs761786371, gnomAD 0.006%). This variant has not been reported in the literature in individuals affected with SLX4-related conditions. An algorithm developed to predict the effect of missense changes on protein structure and function (PolyPhen-2) suggests that this variant¬†is likely to be tolerated. In summary, the available evidence is currently insufficient to determine the role of this variant in disease. Therefore, it has been classified as a Variant of Uncertain Significance.

Blueprint Genetics
Classification: Uncertain significance. Last evaluated: 2022-06-15. Review status: criteria provided, single submitter. Criteria: ACMG Guidelines, 2015. Collection method: clinical testing. Allele origin: germline.

NM_032444.4(SLX4):c.1274T>C (p.Met425Thr)

Gene: SLX4 (SLX4 structure-specific endonuclease subunit; minus strand). Cytogenetic location: 16p13.3.
Variant type: single nucleotide variant.
Coding change: c.1274T>C on transcript NM_032444.4 (MANE Select); coding-DNA position 1274, T replaced by C.
Protein change: p.Met425Thr; replaces methionine 425 with threonine.
Molecular consequence: missense variant.
Genome position (GRCh38, 1-based): chr16:3,597,889, A>G on the plus strand (T>C on the coding strand, the complement: SLX4 is on the minus strand). VCF-style: chr16-3597889-A-G. GRCh37 (hg19) VCF-style: chr16-3647890-A-G.
Other names: short protein forms M425T.
Identifiers: ClinVar variation 2739205 (VCV002739205.3), dbSNP rs761786371, ClinGen allele CA7866570.